The following is an entry in ClinVar:

NM_017757.3(ZNF407):c.903T>C (p.Val301=)

Gene: ZNF407 (zinc finger protein 407; plus strand). Cytogenetic location: 18q22.3.
Variant type: single nucleotide variant.
Coding change: c.903T>C on transcript NM_017757.3 (MANE Select); coding-DNA position 903, T replaced by C.
Protein change: p.Val301=; no amino-acid change (valine 301 retained).
Molecular consequence: synonymous variant.
Genome position (GRCh38, 1-based): chr18:74,631,922, T>C. VCF-style: chr18-74631922-T-C. GRCh37 (hg19) VCF-style: chr18-72343878-T-C.
Other names: c.903T>C, p.Val301= (NM_001146189.1, NM_001146190.1, NM_001384475.1).
Identifiers: ClinVar variation 2648807 (VCV002648807.24), dbSNP rs769026348, ClinGen allele CA9000264.
Genomic context (GRCh38, chr18:74,631,922, plus strand): 5'-ACAGATCTTAACAAAACAACCTTTTCCTAAAAAATCACGTACAATGGCAACAAAAAATGT[T>C]CACTCAAAACCAAGAACTTCTAAATCAATAGCAAAGAATAGTGATTCAAAAGGATTACGA-3'
Protein context (NP_060227.2, residues 291-311): KKSRTMATKN[Val301=]HSKPRTSKSI

ClinVar aggregate classification (germline): Likely benign (1 of 4 stars; one submission).

Allele frequency attached by ClinVar (database versions not stated): gnomAD exomes 0.00001; ExAC 0.00001.
gnomAD v4.1: 3 of 1,613,916 alleles (0.00019%); highest among the groups gnomAD compares: Middle Eastern, 0.016%; no homozygotes.

Submission:

CeGaT Center for Human Genetics Tuebingen
Classification: Likely benign. Last evaluated: 2022-10-01. Review status: criteria provided, single submitter. Criteria: CeGaT Center For Human Genetics Tuebingen Variant Classification Criteria Version 2. Collection method: clinical testing. Allele origin: germline. Affected: yes. Observed: 1 variant allele.
Comment: ZNF407: BP4, BP7